The following is an entry in ClinVar:

NM_001353345.2(SETD1B):c.3427G>A (p.Val1143Met)

Gene: SETD1B (SET domain containing 1B, histone lysine methyltransferase; plus strand). Cytogenetic location: 12q24.31.
Variant type: single nucleotide variant.
Coding change: c.3427G>A on transcript NM_001353345.2 (MANE Select); coding-DNA position 3427, G replaced by A.
Protein change: p.Val1143Met; replaces valine 1143 with methionine.
Molecular consequence: missense variant.
Genome position (GRCh38, 1-based): chr12:121,819,412, G>A. VCF-style: chr12-121819412-G-A. GRCh37 (hg19) VCF-style: chr12-122257318-G-A.
Other names: short protein forms V1143M.
Identifiers: ClinVar variation 2578693 (VCV002578693.25), dbSNP rs2500220223, ClinGen allele CA386996872.

ClinVar aggregate classification (germline): Uncertain significance (1 of 4 stars; one submission).

Submission:

CeGaT Center for Human Genetics Tuebingen
Classification: Uncertain significance. Last evaluated: 2023-07-01. Review status: criteria provided, single submitter. Criteria: CeGaT Center For Human Genetics Tuebingen Variant Classification Criteria Version 2. Collection method: clinical testing. Allele origin: germline. Affected: yes. Observed: 1 variant allele.
Comment: SETD1B: PM2, PP2, BP4